The following is an entry in ClinVar:

ClinVar aggregate classification (germline): Benign/Likely benign. Review status: criteria provided, multiple submitters, no conflicts (2 of 4 stars). 5 submissions from 5 submitters: Benign (2); Likely benign (3). Last evaluated 2026-03-01.

Conditions:
Early-infantile DEE. Also called: Early infantile epileptic encephalopathy; Ohtahara syndrome; Early infantile epileptic encephalopathy with suppression bursts. Identifiers: Orphanet 1934, MedGen C0393706, MONDO:0800491.
Inborn genetic diseases. Identifiers: MedGen C0950123, MeSH D030342.

Allele frequency attached by ClinVar (database versions not stated): gnomAD exomes 0.00003 and 0.00011; ExAC 0.00013; gnomAD 0.00046 and 0.00050; TOPMed 0.00049; 1000 Genomes Project 30x 0.00062; 1000 Genomes Project 0.00080; ESP Exome Variant Server 0.00085.
gnomAD v4.1: 117 of 1,609,072 alleles (0.0073%); highest among the groups gnomAD compares: African/African-American, 0.14%; no homozygotes.

Submissions (5):

CeGaT Center for Human Genetics Tuebingen
Classification: Likely benign. Last evaluated: 2026-03-01. Review status: criteria provided, single submitter. Criteria: CeGaT Center For Human Genetics Tuebingen Variant Classification Criteria Version 2. Collection method: clinical testing. Allele origin: germline. Affected: yes. Observed: 1 variant allele.
Comment: SCN8A: BP4, BP7, BS1

Labcorp Genetics (formerly Invitae), Labcorp
Classification: Benign for Early-infantile DEE. Last evaluated: 2026-01-12. Review status: criteria provided, single submitter. Criteria: Invitae Variant Classification Sherloc (09022015). Collection method: clinical testing. Allele origin: germline.

Blueprint Genetics
Classification: Likely benign. Last evaluated: 2022-01-19. Review status: criteria provided, single submitter. Criteria: ACMG Guidelines, 2015. Collection method: clinical testing. Allele origin: germline.

GeneDx
Classification: Benign. Last evaluated: 2020-06-08. Review status: criteria provided, single submitter. Criteria: GeneDx Variant Classification Process June 2021. Collection method: clinical testing. Allele origin: germline. Affected: yes.

Ambry Genetics
Classification: Likely benign for Inborn genetic diseases. Last evaluated: 2017-06-22. Review status: criteria provided, single submitter. Criteria: Ambry Variant Classification Scheme 2023. Collection method: clinical testing. Allele origin: germline.

NM_001330260.2(SCN8A):c.3321C>T (p.Asn1107=)

Gene: SCN8A (sodium voltage-gated channel alpha subunit 8; plus strand). Cytogenetic location: 12q13.13.
Variant type: single nucleotide variant.
Coding change: c.3321C>T on transcript NM_001330260.2 (MANE Select); coding-DNA position 3321, C replaced by T.
Protein change: p.Asn1107=; no amino-acid change (asparagine 1107 retained).
Molecular consequence: synonymous variant.
Genome position (GRCh38, 1-based): chr12:51,769,284, C>T. VCF-style: chr12-51769284-C-T. GRCh37 (hg19) VCF-style: chr12-52163068-C-T.
Other names: c.3321C>T, p.Asn1107= (NM_001177984.3, NM_001369788.1, NM_014191.4).
Identifiers: ClinVar variation 461337 (VCV000461337.21), dbSNP rs374213514, ClinGen allele CA6571577.